The following is an entry in ClinVar:

NM_020975.6(RET):c.1826G>A (p.Cys609Tyr)

Gene: RET (ret proto-oncogene; plus strand). Cytogenetic location: 10q11.21.
Variant type: single nucleotide variant.
Coding change: c.1826G>A on transcript NM_020975.6 (MANE Select); coding-DNA position 1826, G replaced by A.
Protein change: p.Cys609Tyr; replaces cysteine 609 with tyrosine.
Molecular consequence: missense variant.
Genome position (GRCh38, 1-based): chr10:43,113,622, G>A. VCF-style: chr10-43113622-G-A. GRCh37 (hg19) VCF-style: chr10-43609070-G-A.
Other names: p.C609Y:TGC>TAC; c.1826G>A, p.Cys609Tyr (NM_001406744.1, NM_001406759.1, NM_001406760.1 and 6 more transcripts); c.1697G>A, p.Cys566Tyr (NM_001406761.1, NM_001406762.1, NM_001406764.1 and 1 more transcripts); c.1538G>A, p.Cys513Tyr (NM_001406766.1, NM_001406767.1, NM_001406770.1); c.1100G>A, p.Cys367Tyr (NM_001406777.1, NM_001406778.1, NM_001406775.1 and 1 more transcripts); c.929G>A, p.Cys310Tyr (NM_001406779.1, NM_001406780.1, NM_001406781.1 and 2 more transcripts); c.800G>A, p.Cys267Tyr (NM_001406783.1, NM_001406786.1); c.836G>A, p.Cys279Tyr (NM_001406784.1); and 6 more; short protein forms C609Y, C355Y, C279Y, C463Y, C513Y, C310Y, C477Y, C367Y.
Identifiers: ClinVar variation 13933 (VCV000013933.57), dbSNP rs77939446, ClinGen allele CA007824.

ClinVar aggregate classification (germline): Pathogenic. Review status: criteria provided, multiple submitters, no conflicts (2 of 4 stars). 22 submissions from 20 submitters: Pathogenic (19). 3 of the submissions do not count toward it. Last evaluated 2026-09-17.

Conditions:
RET-related disorder. Also called: RET-related disorders; RET-related condition; RET-related disease.
Hereditary cancer-predisposing syndrome. Also called: Neoplastic Syndromes, Hereditary; Tumor predisposition; Hereditary Cancer Syndrome; Hereditary neoplastic syndrome. Identifiers: Orphanet 140162, MedGen C0027672, MeSH D009386, MONDO:0015356.
Familial medullary thyroid carcinoma (MTC). Also called: Thyroid cancer, familial medullary; MTC, familial; Familial Medullary Thyroid Carcinoma (FMTC). Identifiers: Orphanet 653, Orphanet 99361, MedGen C1833921, MONDO:0007958, OMIM 155240.
Multiple endocrine neoplasia type 2A. Also called: Multiple Endocrine Neoplasia Type 2A (MEN2A); MULTIPLE ENDOCRINE NEOPLASIA, TYPE IIA; PTC SYNDROME; SIPPLE SYNDROME; MEN 2A; MEN-2A syndrome. Identifiers: Orphanet 247698, Orphanet 653, MedGen C0025268, MeSH D018813, MONDO:0008234, OMIM 171400.
Multiple endocrine neoplasia, type 2 (MEN2). Identifiers: Orphanet 653, MedGen C4048306, MONDO:0019003. Disease mechanism: gain of function.
Hirschsprung disease, susceptibility to, 1 (HSCR1). Also called: RET-Related Hirschsprung Disease. Identifiers: Orphanet 388, MedGen C3888239, MONDO:0007723, OMIM 142623.
MULTIPLE ENDOCRINE NEOPLASIA, TYPE IIA, WITH HIRSCHSPRUNG DISEASE. Identifiers: MedGen C4016286.

Allele frequency attached by ClinVar (database versions not stated): gnomAD exomes below 0.00001; gnomAD 0.00001; TOPMed 0.00001.
gnomAD v4.1: 9 of 1,613,148 alleles (0.00056%); highest among the groups gnomAD compares: Non-Finnish European, 0.00076%; no homozygotes.

Submissions 1 to 6 of 22:

PreventionGenetics, part of Exact Sciences
Classification: Pathogenic for RET-related condition. Last evaluated: 2026-09-17. Review status: criteria provided, single submitter. Criteria: ACMG Guidelines, 2015. Collection method: clinical testing. Allele origin: germline.
Comment: The RET c.1826G>A variant is predicted to result in the amino acid substitution p.Cys609Tyr. This variant has been reported in individuals with multiple endocrine neoplasia, familial medullary thyroid carcinoma and phaeochromocytoma who may also have Hirschsprung disease (Blaugrund et al. 1994. PubMed ID: 7849720; Vaciavikova et al. 2012. PubMed ID: 21986619; Muth et al. 2012. PubMed ID: 22270996). Of note, reduced penetrance, age-related penetrance, and clinical phenotypic variability have been reported for RET p.Cys609 variants, including p.Cys609Tyr (Frank-Raue et al. 2011. PubMed ID: 20979234). This variant is reported in 0.00089% of alleles in individuals of European (non-Finnish) descent in gnomAD and has been interpreted as pathogenic in ClinVar (Variation ID: 13933). Experimental studies indicate this variant disrupts RET protein expression and function (Ito et al. 1997. PubMed ID: 9230192; Mise et al. 2006. PubMed ID: 16715139). In summary, this variant is interpreted as pathogenic.

Labcorp Genetics (formerly Invitae), Labcorp
Classification: Pathogenic for Multiple endocrine neoplasia, type 2. Last evaluated: 2026-01-13. Review status: criteria provided, single submitter. Criteria: Invitae Variant Classification Sherloc (09022015). Collection method: clinical testing. Allele origin: germline.
Comment: This sequence change replaces cysteine, which is neutral and slightly polar, with tyrosine, which is neutral and polar, at codon 609 of the RET protein (p.Cys609Tyr). The frequency data for this variant in the population databases is considered unreliable, as metrics indicate poor data quality at this position in the gnomAD database. This missense change has been observed in individual(s) with multiple endocrine neoplasia type 2A (MEN2A), medullary thyroid carcinoma, and Hirschsprung disease (PMID: 19472011, 24617864). It has also been observed to segregate with disease in related individuals. ClinVar contains an entry for this variant (Variation ID: 13933). An algorithm developed to predict the effect of missense changes on protein structure and function (PolyPhen-2) suggests that this variant is likely to be disruptive. Experimental studies have shown that this missense change affects RET function (PMID: 9230192, 9681851, 16715139, 21986619). For these reasons, this variant has been classified as Pathogenic.

Mayo Clinic Laboratories, Mayo Clinic
Classification: Pathogenic. Last evaluated: 2025-09-22. Review status: criteria provided, single submitter. Criteria: ACMG Guidelines, 2015. Collection method: clinical testing. Allele origin: germline. Observed: 13 variant alleles.
Comment: PP1_strong, PP4, PP5, PM1, PS3_supporting, PS4_moderate

Quest Diagnostics Nichols Institute San Juan Capistrano
Classification: Pathogenic. Last evaluated: 2025-07-21. Review status: criteria provided, single submitter. Criteria: Quest Diagnostics criteria. Collection method: clinical testing. Allele origin: unknown.
Comment: The RET c.1826G>A (p.Cys609Tyr) variant is located at one of the hot spots for pathogenic variants associated with MEN 2A and FMTC, and has been reported in the published literature in multiple individuals with MEN 2A/FMTC (PMIDs: 7849720 (1994), 7907913 (1994), 9146685 (1997), 15858153 (2005), 18206480 (2008), 19472011 (2009), 20979234 (2011), 24617864 (2014), 27994876 (2016), 37604101 (2023), 39015810 (2024)) and/or Hirschsprung's disease (PMIDs: 7633441 (1995), 9384613 (1998), 9824583 (1998), 18206480 (2008)). In addition, assessment of experimental evidence suggests this variant results in abnormal protein function (PMIDs: 9230192 (1997), 16715139 (2006)). The frequency of this variant in the general population (Genome Aggregation Database) is uninformative in the assessment of its pathogenicity. Analysis of this variant using bioinformatics tools for the prediction of the effect of amino acid changes on protein structure and function yielded predictions that this variant is damaging. Based on the available information, this variant is classified as pathogenic.

Ambry Genetics
Classification: Pathogenic for Hereditary cancer-predisposing syndrome. Last evaluated: 2025-04-07. Review status: criteria provided, single submitter. Criteria: Ambry Variant Classification Scheme 2023. Collection method: clinical testing. Allele origin: germline.
Comment: The p.C609Y pathogenic mutation (also known as c.1826G>A), located in coding exon 10 of the RET gene, results from a G to A substitution at nucleotide position 1826. The cysteine at codon 609 is replaced by tyrosine, an amino acid with highly dissimilar properties. This mutation has been identified in multiple MEN2A patients and families with Hirschsprung disease (HSCR1), familial medullary thyroid cancer (FMTC), and pheochromocytoma (Blaugrund JE et al. Hum. Mol. Genet. 1994 Oct;3(10):1895-7; Decker RA et al. Hum. Mol. Genet. 1998 Jan;7(1):129-34; Fialkowski EA et al. J. Pediatr. Surg. 2008 Jan;43(1):188-90; Vaclavikova et al. Pediatr. Surg. Int. 2012 Feb;28(2):123-8; Muth et al. World J. Surg. 2012 Jun;36(6):1389-94; Speak R et al. Endocrinol Diabetes Metab. Case Rep. 2016 Nov;2016; Giacch&eacute; M et al. Hum Mutat, 2019 07;40:926-937; Ambry internal data). The American Thyroid Association Guidelines Task Force has provided recommendations for individuals with RET gene mutations (Wells SA et al. Thyroid. 2015 Jun; 25(6):567-610). This amino acid position is highly conserved in available vertebrate species. In addition, this alteration is predicted to be deleterious by in silico analysis. Based on the supporting evidence, this alteration is interpreted as a disease-causing mutation.

Molecular Pathology, Peter Maccallum Cancer Centre
Classification: Pathogenic for Multiple endocrine neoplasia, type 2. Last evaluated: 2025-03-07. Review status: criteria provided, single submitter. Criteria: ACMG Guidelines, 2015. Collection method: clinical testing. Allele origin: germline. Inheritance: Autosomal dominant inheritance.